The following is an entry in ClinVar:

NM_007078.3(LDB3):c.1231+12A>G

Gene: LDB3 (LIM domain binding 3; plus strand). Cytogenetic location: 10q23.2.
Variant type: single nucleotide variant.
Coding change: c.1231+12A>G on transcript NM_007078.3 (MANE Select); 12 bases into the intron after coding-DNA position 1231, A replaced by G.
Molecular consequence: intron variant.
Genome position (GRCh38, 1-based): chr10:86,710,062, A>G. VCF-style: chr10-86710062-A-G. GRCh37 (hg19) VCF-style: chr10-88469819-A-G.
Other names: c.1042+12A>G (NM_001368064.1, NM_001368065.1); c.1246+12A>G (NM_001171610.2); c.1090+12A>G (NM_001368066.1); c.901+12A>G (NM_001080114.2).
Identifiers: ClinVar variation 2852908 (VCV002852908.3), dbSNP rs1479506454, ClinGen allele CA594904565.

ClinVar aggregate classification (germline): Uncertain significance (1 of 4 stars; one submission).

Conditions:
Myofibrillar myopathy 4. Also called: Zaspopathy (type). Identifiers: Orphanet 98912, MedGen C4721886, MONDO:0012277, OMIM 609452.

Allele frequency attached by ClinVar (database versions not stated): gnomAD exomes below 0.00001.
gnomAD v4.1: 1 of 1,612,108 alleles (0.000062%); highest among the groups gnomAD compares: Admixed American, 0.0017%; no homozygotes.

Submission:

Labcorp Genetics (formerly Invitae), Labcorp
Classification: Uncertain significance for Myofibrillar myopathy 4. Last evaluated: 2023-04-09. Review status: criteria provided, single submitter. Criteria: Invitae Variant Classification Sherloc (09022015). Collection method: clinical testing. Allele origin: germline.
Comment: In summary, the available evidence is currently insufficient to determine the role of this variant in disease. Therefore, it has been classified as a Variant of Uncertain Significance. Experimental studies and prediction algorithms are not available or were not evaluated, and the effect of this variant on mRNA splicing is currently unknown. This variant has not been reported in the literature in individuals affected with LDB3-related conditions. The frequency data for this variant in the population databases is considered unreliable, as metrics indicate poor data quality at this position in the gnomAD database. This sequence change falls in intron 9 of the LDB3 gene. It does not directly change the encoded amino acid sequence of the LDB3 protein. The LDB3 gene has multiple clinically relevant transcripts. This variant occurs in alternate transcript NM_007078.3, and corresponds to NM_001080116.1:c.*10688A>G in the primary transcript.